The following is an entry in ClinVar:

ClinVar aggregate classification (germline): Pathogenic/Likely pathogenic. Review status: criteria provided, multiple submitters, no conflicts (2 of 4 stars). 2 submissions from 2 submitters: Pathogenic (1); Likely pathogenic (1). Last evaluated 2024-03-11.

Conditions:
ADNP-related disorder. Also called: ADNP-related condition.

Submissions (2):

Blueprint Genetics
Classification: Likely pathogenic for ADNP-related disorders. Last evaluated: 2024-03-11. Review status: criteria provided, single submitter. Criteria: ACMG Guidelines, 2015. Collection method: clinical testing. Allele origin: germline. Affected: yes. Observed: 1 variant allele.

Labcorp Genetics (formerly Invitae), Labcorp
Classification: Pathogenic. Last evaluated: 2022-07-19. Review status: criteria provided, single submitter. Criteria: Invitae Variant Classification Sherloc (09022015). Collection method: clinical testing. Allele origin: germline.
Comment: This variant has not been reported in the literature in individuals affected with ADNP-related conditions. This variant disrupts a region of the ADNP protein in which other variant(s) (p.Arg1023Serfs*3) have been determined to be pathogenic (PMID: 28135719, 29724491, 29911927, 33004838). This suggests that this is a clinically significant region of the protein, and that variants that disrupt it are likely to be disease-causing. For these reasons, this variant has been classified as Pathogenic. This sequence change creates a premature translational stop signal (p.Ser769Alafs*3) in the ADNP gene. While this is not anticipated to result in nonsense mediated decay, it is expected to disrupt the last 334 amino acid(s) of the ADNP protein. This variant is not present in population databases (gnomAD no frequency).

Literature cited by the submitters: PubMed 28135719 (cited by Labcorp Genetics (formerly Invitae), Labcorp); PubMed 29724491 (cited by Labcorp Genetics (formerly Invitae), Labcorp); PubMed 29911927 (cited by Labcorp Genetics (formerly Invitae), Labcorp); PubMed 33004838 (cited by Labcorp Genetics (formerly Invitae), Labcorp).

NM_001282531.3(ADNP):c.2305del (p.Ser769fs)

Gene: ADNP (activity dependent neuroprotector homeobox; minus strand). Cytogenetic location: 20q13.13.
Variant type: Deletion.
Coding change: c.2305del on transcript NM_001282531.3 (MANE Select); coding-DNA position 2305, one base deleted (A; older notation c.2305delA).
Protein change: p.Ser769fs; shifts the reading frame from serine 769.
Molecular consequence: frameshift variant.
Genome position (GRCh38, 1-based): chr20:50,892,409, T deleted on the plus strand (A on the coding strand, the reverse complement: ADNP is on the minus strand); the first of 4 consecutive T bases (chr20:50,892,409-50,892,412); deleting any one gives the same sequence. VCF-style (leftmost placement, unchanged base first): chr20-50892408-CT-C. GRCh37 (hg19) VCF-style: chr20-49508945-CT-C.
Other names: c.2305del, p.Ser769fs (NM_001282532.2, NM_001347511.2, NM_015339.5 and 1 more transcripts); short protein forms S769fs.
Identifiers: ClinVar variation 2018222 (VCV002018222.5), dbSNP rs2515579143, ClinGen allele CA2580098309.